The following is an entry in ClinVar:

NM_002439.5(MSH3):c.1352A>G (p.Asp451Gly)

Gene: MSH3 (mutS homolog 3; plus strand). Cytogenetic location: 5q14.1.
Variant type: single nucleotide variant.
Coding change: c.1352A>G on transcript NM_002439.5 (MANE Select); coding-DNA position 1352, A replaced by G.
Protein change: p.Asp451Gly; replaces aspartic acid 451 with glycine.
Molecular consequence: missense variant.
Genome position (GRCh38, 1-based): chr5:80,725,464, A>G. VCF-style: chr5-80725464-A-G. GRCh37 (hg19) VCF-style: chr5-80021283-A-G.
Other names: short protein forms D451G.
Identifiers: ClinVar variation 860538 (VCV000860538.11), dbSNP rs1743268905, ClinGen allele CA360273362.
Genomic context (GRCh38, chr5:80,725,464, plus strand): 5'-TTCATGATAATGGATAAGTTATCTTTGAAATTTTCCTTTTTTCTTTCAGTGTGCAGGATG[A>G]CAGAATTCGAGTCGAAAGGATGGATAACATTTATTTTGAATACAGCCATGCTTTCCAGGC-3'
Protein context (NP_002430.3, residues 441-461): HRATSVSVQD[Asp451Gly]RIRVERMDNI

ClinVar aggregate classification (germline): Uncertain significance. Review status: criteria provided, multiple submitters, no conflicts (2 of 4 stars). 2 submissions from 2 submitters: Uncertain significance (2). Last evaluated 2025-01-23.

Conditions:
Hereditary cancer-predisposing syndrome. Also called: Tumor predisposition; Hereditary neoplastic syndrome; Neoplastic Syndromes, Hereditary; Hereditary Cancer Syndrome. Identifiers: Orphanet 140162, MedGen C0027672, MeSH D009386, MONDO:0015356.

Allele frequency attached by ClinVar (database versions not stated): gnomAD exomes below 0.00001.
gnomAD v4.1: 1 of 1,613,244 alleles (0.000062%); highest among the groups gnomAD compares: Non-Finnish European, 0.000085%; no homozygotes.

Submissions (2):

Labcorp Genetics (formerly Invitae), Labcorp
Classification: Uncertain significance. Last evaluated: 2025-01-23. Review status: criteria provided, single submitter. Criteria: Invitae Variant Classification Sherloc (09022015). Collection method: clinical testing. Allele origin: germline.
Comment: This sequence change replaces aspartic acid, which is acidic and polar, with glycine, which is neutral and non-polar, at codon 451 of the MSH3 protein (p.Asp451Gly). This variant is not present in population databases (gnomAD no frequency). This variant has not been reported in the literature in individuals affected with MSH3-related conditions. ClinVar contains an entry for this variant (Variation ID: 860538). An algorithm developed to predict the effect of missense changes on protein structure and function (PolyPhen-2) suggests that this variant is likely to be disruptive. In summary, the available evidence is currently insufficient to determine the role of this variant in disease. Therefore, it has been classified as a Variant of Uncertain Significance.

Ambry Genetics
Classification: Uncertain significance for Hereditary cancer-predisposing syndrome. Last evaluated: 2024-11-17. Review status: criteria provided, single submitter. Criteria: Ambry Variant Classification Scheme 2023. Collection method: clinical testing. Allele origin: germline.
Comment: The p.D451G variant (also known as c.1352A>G), located in coding exon 9 of the MSH3 gene, results from an A to G substitution at nucleotide position 1352. The aspartic acid at codon 451 is replaced by glycine, an amino acid with similar properties. This amino acid position is conserved. In addition, this alteration is predicted to be deleterious by in silico analysis. Since supporting evidence is limited at this time, the clinical significance of this alteration remains unclear.